The following is an entry in ClinVar:

ClinVar aggregate classification (germline): Benign/Likely benign. Review status: criteria provided, multiple submitters, no conflicts (2 of 4 stars). 4 submissions from 4 submitters: Benign (2); Likely benign (1). 1 of the submissions does not count toward it. Last evaluated 2026-06-01.

Allele frequency attached by ClinVar (database versions not stated): TOPMed 0.00289; ESP Exome Variant Server 0.00331; 1000 Genomes Project 30x 0.00406; 1000 Genomes Project 0.00459; gnomAD exomes 0.00463 and 0.00559; gnomAD 0.00469 and 0.00478; ExAC 0.00544.
gnomAD v4.1: 7,469 of 1,612,296 alleles (0.46%); highest among the groups gnomAD compares: East Asian, 0.8%; 26 homozygotes.

Submissions (4):

CeGaT Center for Human Genetics Tuebingen
Classification: Likely benign. Last evaluated: 2026-06-01. Review status: criteria provided, single submitter. Criteria: CeGaT Center For Human Genetics Tuebingen Variant Classification Criteria Version 2. Collection method: clinical testing. Allele origin: germline. Affected: yes. Observed: 3 variant alleles.
Comment: PCK2: BP4, BP7, BS2

Labcorp Genetics (formerly Invitae), Labcorp
Classification: Benign. Last evaluated: 2026-01-26. Review status: criteria provided, single submitter. Criteria: Invitae Variant Classification Sherloc (09022015). Collection method: clinical testing. Allele origin: germline.

Breakthrough Genomics
Classification: Benign. Review status: criteria provided, single submitter. Criteria: ACMG Guidelines, 2015. Collection method: not provided. Allele origin: germline. Inheritance: Autosomal recessive inheritance. Affected: yes.

Mayo Clinic Laboratories, Mayo Clinic
Classification: Likely benign. Last evaluated: 2016-03-11. Review status: no assertion criteria provided. Collection method: clinical testing. Allele origin: unknown. Not counted in ClinVar's aggregate classification.

NM_004563.4(PCK2):c.747C>T (p.Phe249=)

Genes: NRL (neural retina leucine zipper; minus strand), PCK2 (phosphoenolpyruvate carboxykinase 2, mitochondrial; plus strand). Cytogenetic location: 14q11.2.
Variant type: single nucleotide variant.
Coding change: c.747C>T on transcript NM_004563.4 (MANE Select); coding-DNA position 747, C replaced by T.
Protein change: p.Phe249=; no amino-acid change (phenylalanine 249 retained).
Molecular consequence: synonymous variant. On other transcripts: intron variant (3).
Genome position (GRCh38, 1-based): chr14:24,099,131, C>T. VCF-style: chr14-24099131-C-T. GRCh37 (hg19) VCF-style: chr14-24568340-C-T.
Other names: c.747C>T, p.Phe249= (NM_001018073.3); c.345C>T, p.Phe115= (NM_001291556.2, NM_001308054.2); c.-28+15591G>A (NM_001354768.3, NM_001354770.2); c.-253-14386G>A (NM_006177.5).
Identifiers: ClinVar variation 559137 (VCV000559137.26), dbSNP rs149974910, ClinGen allele CA7123215.